The following is an entry in ClinVar:

NM_000136.3(FANCC):c.1520A>T (p.Asp507Val)

Genes: AOPEP (aminopeptidase O (putative); plus strand), FANCC (FA complementation group C; minus strand). Cytogenetic location: 9q22.32.
Variant type: single nucleotide variant.
Coding change: c.1520A>T on transcript NM_000136.3 (MANE Select); coding-DNA position 1520, A replaced by T.
Protein change: p.Asp507Val; replaces aspartic acid 507 with valine.
Molecular consequence: missense variant.
Genome position (GRCh38, 1-based): chr9:95,107,079, T>A on the plus strand (A>T on the coding strand, the complement: FANCC is on the minus strand). VCF-style: chr9-95107079-T-A. GRCh37 (hg19) VCF-style: chr9-97869361-T-A.
Other names: c.1520A>T, p.Asp507Val (NM_001243743.2); short protein forms D507V.
Identifiers: ClinVar variation 1998973 (VCV001998973.4), dbSNP rs2540808192, ClinGen allele CA374105497.

ClinVar aggregate classification (germline): Uncertain significance (1 of 4 stars; one submission).

Conditions:
Fanconi anemia (FA). Also called: Fanconi's anemia. Identifiers: Orphanet 84, MedGen C0015625, MeSH D005199, MONDO:0019391.

Submission:

Labcorp Genetics (formerly Invitae), Labcorp
Classification: Uncertain significance for Fanconi anemia. Last evaluated: 2021-12-19. Review status: criteria provided, single submitter. Criteria: Invitae Variant Classification Sherloc (09022015). Collection method: clinical testing. Allele origin: germline.
Comment: This sequence change replaces aspartic acid, which is acidic and polar, with valine, which is neutral and non-polar, at codon 507 of the FANCC protein (p.Asp507Val). This variant is not present in population databases (gnomAD no frequency). This variant has not been reported in the literature in individuals affected with FANCC-related conditions. Algorithms developed to predict the effect of missense changes on protein structure and function are either unavailable or do not agree on the potential impact of this missense change (SIFT: "Deleterious"; PolyPhen-2: "Possibly Damaging"; Align-GVGD: "Class C0"). In summary, the available evidence is currently insufficient to determine the role of this variant in disease. Therefore, it has been classified as a Variant of Uncertain Significance.